The following is an entry in ClinVar:

NM_001129.5(AEBP1):c.860T>C (p.Ile287Thr)

Gene: AEBP1 (AE binding protein 1; plus strand). Cytogenetic location: 7p13.
Variant type: single nucleotide variant.
Coding change: c.860T>C on transcript NM_001129.5 (MANE Select); coding-DNA position 860, T replaced by C.
Protein change: p.Ile287Thr; replaces isoleucine 287 with threonine.
Molecular consequence: missense variant.
Genome position (GRCh38, 1-based): chr7:44,107,929, T>C. VCF-style: chr7-44107929-T-C. GRCh37 (hg19) VCF-style: chr7-44147528-T-C.
Other names: short protein forms I287T.
Identifiers: ClinVar variation 4537322 (VCV004537322.1).
Genomic context (GRCh38, chr7:44,107,929, plus strand): 5'-AGCGGGTCTGGCCAGAGCCCCCTGAGGAGAAGGCCCCGGCCCCAGCCCCGGAGGAGAGGA[T>C]TGGTAGGATGGGGGGCAGGAGAGGAGGTGCCATGGCCACGGCGCTCTGGCCCCCTCCTAA-3'
Protein context (NP_001120.3, residues 277-297): KAPAPAPEER[Ile287Thr]EPPVKPLLPP

ClinVar aggregate classification (germline): Uncertain significance (1 of 4 stars; one submission).

gnomAD v4.1: 6 of 1,584,614 alleles (0.00038%); highest among the groups gnomAD compares: African/African-American, 0.0068%; no homozygotes.

Submission:

Women's Health and Genetics/Laboratory Corporation of America, LabCorp
Classification: Uncertain significance. Last evaluated: 2025-11-19. Review status: criteria provided, single submitter. Criteria: LabCorp Variant Classification Summary - May 2015. Collection method: clinical testing. Allele origin: germline.
Comment: Variant summary: AEBP1 c.860T>C (p.Ile287Thr) results in a non-conservative amino acid change in the encoded protein sequence. Algorithms developed to predict the effect of missense changes on protein structure and function are either unavailable or do not agree on the potential impact of this missense change. Consensus agreement among computation tools predict no significant impact on normal splicing. However, these predictions have yet to be confirmed by functional studies. The variant allele was found at a frequency of 4.9e-06 in 202146 control chromosomes. The available data on variant occurrences in the general population are insufficient to allow any conclusion about variant significance. To our knowledge, no occurrence of c.860T>C in individuals affected with AEBP1-related conditions and no experimental evidence demonstrating its impact on protein function have been reported. No submitters have cited clinical-significance assessments for this variant to ClinVar. Based on the evidence outlined above, the variant was classified as uncertain significance.